The following is an entry in ClinVar:

NM_021252.5(RAB18):c.*3453G>A

Gene: RAB18 (RAB18, member RAS oncogene family; plus strand). Cytogenetic location: 10p12.1.
Variant type: single nucleotide variant.
Coding change: c.*3453G>A on transcript NM_021252.5 (MANE Select); 3453 bases downstream of the stop codon, G replaced by A.
Molecular consequence: 3 prime UTR variant. On other transcripts: non-coding transcript variant (1).
Genome position (GRCh38, 1-based): chr10:27,541,504, G>A. VCF-style: chr10-27541504-G-A. GRCh37 (hg19) VCF-style: chr10-27830433-G-A.
Other names: c.*3453G>A (NM_001256410.2, NM_001256412.2); c.*3413G>A (NM_001256411.2).
Identifiers: ClinVar variation 299870 (VCV000299870.6), dbSNP rs11015861, ClinGen allele CA5452582.

ClinVar aggregate classification (germline): Benign. Review status: criteria provided, multiple submitters, no conflicts (2 of 4 stars). 2 submissions from 2 submitters: Benign (2). Last evaluated 2018-01-13.

Conditions:
Warburg micro syndrome 3 (WARBM3). Also called: MICRO SYNDROME 3. Identifiers: Orphanet 2510, MedGen C3280203, MONDO:0013638, OMIM 614222.

Allele frequency attached by ClinVar (database versions not stated): 1000 Genomes Project 0.32827; 1000 Genomes Project 30x 0.33354; gnomAD exomes 0.41097 and 0.44757; ExAC 0.42856; TOPMed 0.41599; gnomAD 0.43009 and 0.43562.
gnomAD v4.1: 200,647 of 453,570 alleles (44%); highest among the groups gnomAD compares: Non-Finnish European, 50%; 46,558 homozygotes.

Submissions (2):

Illumina Laboratory Services, Illumina
Classification: Benign for Warburg micro syndrome 3. Last evaluated: 2018-01-13. Review status: criteria provided, single submitter. Criteria: ICSL Variant Classification Criteria 13 December 2019. Collection method: clinical testing. Allele origin: germline.
Comment: This variant was observed in the ICSL laboratory as part of a predisposition screen in an ostensibly healthy population. It had not been previously curated by ICSL or reported in the Human Gene Mutation Database (HGMD: prior to June 1st, 2018), and was therefore a candidate for classification through an automated scoring system. Utilizing variant allele frequency, disease prevalence and penetrance estimates, and inheritance mode, an automated score was calculated to assess if this variant is too frequent to cause the disease. Based on the score and internal cut-off values, a variant classified as benign is not then subjected to further curation. The score for this variant resulted in a classification of benign for this disease.

Breakthrough Genomics
Classification: Benign. Review status: criteria provided, single submitter. Criteria: ACMG Guidelines, 2015. Collection method: not provided. Allele origin: germline. Inheritance: Autosomal recessive inheritance. Affected: yes.